The following is an entry in ClinVar:

ClinVar aggregate classification (germline): Uncertain significance (1 of 4 stars; one submission).

Conditions:
Tuberous sclerosis 2 (TSC2). Identifiers: Orphanet 805, MedGen C1860707, MONDO:0013199, OMIM 613254.

Submission:

Labcorp Genetics (formerly Invitae), Labcorp
Classification: Uncertain significance for Tuberous sclerosis 2. Last evaluated: 2024-06-11. Review status: criteria provided, single submitter. Criteria: Invitae Variant Classification Sherloc (09022015). Collection method: clinical testing. Allele origin: germline.
Comment: This sequence change replaces arginine, which is basic and polar, with proline, which is neutral and non-polar, at codon 1369 of the TSC2 protein (p.Arg1369Pro). This variant is not present in population databases (gnomAD no frequency). This variant has not been reported in the literature in individuals affected with TSC2-related conditions. Advanced modeling of protein sequence and biophysical properties (such as structural, functional, and spatial information, amino acid conservation, physicochemical variation, residue mobility, and thermodynamic stability) performed at Invitae indicates that this missense variant is not expected to disrupt TSC2 protein function with a negative predictive value of 95%. In summary, the available evidence is currently insufficient to determine the role of this variant in disease. Therefore, it has been classified as a Variant of Uncertain Significance.

NM_000548.5(TSC2):c.4106G>C (p.Arg1369Pro)

Gene: TSC2 (TSC complex subunit 2; plus strand). Cytogenetic location: 16p13.3.
Variant type: single nucleotide variant.
Coding change: c.4106G>C on transcript NM_000548.5 (MANE Select); coding-DNA position 4106, G replaced by C.
Protein change: p.Arg1369Pro; replaces arginine 1369 with proline.
Molecular consequence: missense variant. On other transcripts: non-coding transcript variant (5).
Genome position (GRCh38, 1-based): chr16:2,084,328, G>C. VCF-style: chr16-2084328-G-C. GRCh37 (hg19) VCF-style: chr16-2134329-G-C.
Other names: c.3905G>C, p.Arg1302Pro (NM_001077183.3); c.4037G>C, p.Arg1346Pro (NM_001114382.3); c.3797G>C, p.Arg1266Pro (NM_001318827.2); c.3761G>C, p.Arg1254Pro (NM_001318829.2); c.3374G>C, p.Arg1125Pro (NM_001318831.2); c.3938G>C, p.Arg1313Pro (NM_001318832.2); c.3908G>C, p.Arg1303Pro (NM_001363528.2); c.3974G>C, p.Arg1325Pro (NM_001370404.1); and 26 more; short protein forms R1102P, R1125P, R1254P, R1283P, R1296P, R1299P, R1326P, R1333P.
Identifiers: ClinVar variation 3637231 (VCV003637231.2).